The following is an entry in ClinVar:

NM_144573.4(NEXN):c.686T>A (p.Met229Lys)

Gene: NEXN (nexilin F-actin binding protein; plus strand). Cytogenetic location: 1p31.1.
Variant type: single nucleotide variant.
Coding change: c.686T>A on transcript NM_144573.4 (MANE Select); coding-DNA position 686, T replaced by A.
Protein change: p.Met229Lys; replaces methionine 229 with lysine.
Molecular consequence: missense variant.
Genome position (GRCh38, 1-based): chr1:77,926,610, T>A. VCF-style: chr1-77926610-T-A. GRCh37 (hg19) VCF-style: chr1-78392295-T-A.
Other names: c.494T>A, p.Met165Lys (NM_001172309.2); short protein forms M229K, M165K.
Identifiers: ClinVar variation 3878962 (VCV003878962.1).

ClinVar aggregate classification (germline): Uncertain significance (1 of 4 stars; one submission).

Conditions:
Cardiovascular phenotype. Identifiers: MedGen CN230736.

Submission:

Ambry Genetics
Classification: Uncertain significance for Cardiovascular phenotype. Last evaluated: 2025-02-01. Review status: criteria provided, single submitter. Criteria: Ambry Variant Classification Scheme 2023. Collection method: clinical testing. Allele origin: germline.
Comment: The p.M229K variant (also known as c.686T>A), located in coding exon 6 of the NEXN gene, results from a T to A substitution at nucleotide position 686. The methionine at codon 229 is replaced by lysine, an amino acid with similar properties. This amino acid position is conserved. In addition, the in silico prediction for this alteration is inconclusive. Based on the available evidence, the clinical significance of this variant remains unclear.